The following is an entry in ClinVar:

NM_001448.3(GPC4):c.1216A>G (p.Asn406Asp)

Gene: GPC4 (glypican 4; minus strand). Cytogenetic location: Xq26.2.
Variant type: single nucleotide variant.
Coding change: c.1216A>G on transcript NM_001448.3 (MANE Select); coding-DNA position 1216, A replaced by G.
Protein change: p.Asn406Asp; replaces asparagine 406 with aspartic acid.
Molecular consequence: missense variant.
Genome position (GRCh38, 1-based): chrX:133,304,801, T>C on the plus strand (A>G on the coding strand, the complement: GPC4 is on the minus strand). VCF-style: chrX-133304801-T-C. GRCh37 (hg19) VCF-style: chrX-132438829-T-C.
Other names: short protein forms N406D.
Identifiers: ClinVar variation 2573754 (VCV002573754.1), dbSNP rs2520396725, ClinGen allele CA414691665.

ClinVar aggregate classification (germline): Uncertain significance (1 of 4 stars; one submission).

Submission:

GeneDx
Classification: Uncertain significance. Last evaluated: 2023-01-19. Review status: criteria provided, single submitter. Criteria: GeneDx Variant Classification Process June 2021. Collection method: clinical testing. Allele origin: germline. Affected: yes.
Comment: Not observed at significant frequency in large population cohorts (gnomAD); In silico analysis supports that this missense variant does not alter protein structure/function; Has not been previously published as pathogenic or benign to our knowledge